The following is an entry in ClinVar:

ClinVar aggregate classification (germline): Conflicting classifications of pathogenicity. Review status: criteria provided, conflicting classifications (1 of 4 stars). 4 submissions from 4 submitters: Pathogenic (1); Likely pathogenic (2); Uncertain significance (1). Last evaluated 2024-06-22.

Conditions:
Atelosteogenesis type II (AO2). Also called: NEONATAL OSSEOUS DYSPLASIA I; Neonatal osseous dysplasia 1; SLC26A2-Related Atelosteogenesis. Identifiers: Orphanet 56304, MedGen C1850554, MONDO:0009727, OMIM 256050.
Diastrophic dysplasia (DTD). Also called: Diastrophic dwarfism. Identifiers: Orphanet 628, MedGen C0220726, MONDO:0009107, OMIM 222600.
Multiple epiphyseal dysplasia type 4 (EDM4). Also called: SLC26A2-Related Multiple Epiphyseal Dysplasia; MULTIPLE EPIPHYSEAL DYSPLASIA WITH BILAYERED PATELLAE; MULTIPLE EPIPHYSEAL DYSPLASIA WITH CLUBFOOT; MULTIPLE EPIPHYSEAL DYSPLASIA, AUTOSOMAL RECESSIVE; Multiple Epiphyseal Dysplasia, Recessive. Identifiers: Orphanet 93307, MedGen C1847593, MONDO:0009189, OMIM 226900.
Achondrogenesis, type IB (ACG1B). Also called: Achondrogenesis Type 1B. Identifiers: Orphanet 932, Orphanet 93298, MedGen C0265274, MONDO:0010966, OMIM 600972.

Allele frequency attached by ClinVar (database versions not stated): gnomAD 0.00001; gnomAD exomes 0.00001; ExAC 0.00002; TOPMed 0.00002.

Submissions (4):

Fulgent Genetics
Classification: Likely pathogenic for Diastrophic dysplasia; Multiple epiphyseal dysplasia type 4; Atelosteogenesis type II; Achondrogenesis, type IB. Last evaluated: 2024-06-22. Review status: criteria provided, single submitter. Criteria: ACMG Guidelines, 2015. Collection method: clinical testing. Allele origin: germline.

Labcorp Genetics (formerly Invitae), Labcorp
Classification: Pathogenic for Atelosteogenesis type II; Multiple epiphyseal dysplasia type 4; Achondrogenesis, type IB; Diastrophic dysplasia. Last evaluated: 2024-01-28. Review status: criteria provided, single submitter. Criteria: Invitae Variant Classification Sherloc (09022015). Collection method: clinical testing. Allele origin: germline.
Comment: This sequence change creates a premature translational stop signal (p.Ile651Leufs*9) in the SLC26A2 gene. While this is not anticipated to result in nonsense mediated decay, it is expected to disrupt the last 89 amino acid(s) of the SLC26A2 protein. This variant is present in population databases (rs774648833, gnomAD 0.02%). This variant has not been reported in the literature in individuals affected with SLC26A2-related conditions. ClinVar contains an entry for this variant (Variation ID: 962984). This variant disrupts a region of the SLC26A2 protein in which other variant(s) (p.Ala715Val) have been determined to be pathogenic (PMID: 11448940, 15294877, 21077204). This suggests that this is a clinically significant region of the protein, and that variants that disrupt it are likely to be disease-causing. For these reasons, this variant has been classified as Pathogenic.

Baylor Genetics
Classification: Likely pathogenic for Achondrogenesis, type IB. Last evaluated: 2023-06-08. Review status: criteria provided, single submitter. Criteria: ACMG Guidelines, 2015. Collection method: clinical testing. Allele origin: unknown.

Juno Genomics, Hangzhou Juno Genomics, Inc
Classification: Uncertain significance for Achondrogenesis, type IB; Atelosteogenesis type II; Diastrophic dysplasia; Multiple epiphyseal dysplasia type 4. Review status: criteria provided, single submitter. Criteria: ACMG Guidelines, 2015. Collection method: clinical testing. Allele origin: germline.
Comment: Null variant in a gene where loss of function (LOF) is a known mechanism of disease.;Absent from controls (or at extremely low frequency if recessive) in Genome Aggregation Database.

Literature cited by the submitters: PubMed 11448940 (cited by Labcorp Genetics (formerly Invitae), Labcorp); PubMed 15294877 (cited by Labcorp Genetics (formerly Invitae), Labcorp); PubMed 21077204 (cited by Labcorp Genetics (formerly Invitae), Labcorp).

NM_000112.4(SLC26A2):c.1950del (p.Ile651fs)

Gene: SLC26A2 (solute carrier family 26 member 2; plus strand). Cytogenetic location: 5q32.
Variant type: Deletion.
Coding change: c.1950del on transcript NM_000112.4 (MANE Select); coding-DNA position 1950, one base deleted (G; older notation c.1950delG).
Protein change: p.Ile651fs; shifts the reading frame from isoleucine 651.
Molecular consequence: frameshift variant.
Genome position (GRCh38, 1-based): chr5:149,981,543, G deleted. VCF-style (leftmost placement, unchanged base first): chr5-149981542-TG-T. GRCh37 (hg19) VCF-style: chr5-149361105-TG-T.
Other names: short protein forms I651fs.
Identifiers: ClinVar variation 962984 (VCV000962984.14), dbSNP rs774648833, ClinGen allele CA3505520.
Genomic context (GRCh38, chr5:149,981,542, plus strand): 5'-GAATCCAGGATGAAATGTCAGTGCAACTTTCCCATGATCCCTTGGAGCTGCATACTATAG[TG>T]ATTGACTGCAGTGCAATTCAATTTTTAGATACAGCAGGGATCCACACACTGAAAGAAGTT-3'